The following is an entry in ClinVar:

NM_001114753.3(ENG):c.737A>T (p.Asp246Val)

Gene: ENG (endoglin; minus strand). Cytogenetic location: 9q34.11.
Variant type: single nucleotide variant.
Coding change: c.737A>T on transcript NM_001114753.3 (MANE Select); coding-DNA position 737, A replaced by T.
Protein change: p.Asp246Val; replaces aspartic acid 246 with valine.
Molecular consequence: missense variant.
Genome position (GRCh38, 1-based): chr9:127,825,310, T>A on the plus strand (A>T on the coding strand, the complement: ENG is on the minus strand). VCF-style: chr9-127825310-T-A. GRCh37 (hg19) VCF-style: chr9-130587589-T-A.
Other names: c.737A>T, p.Asp246Val (NM_000118.4, NM_001406715.1); c.191A>T, p.Asp64Val (NM_001278138.2); short protein forms D64V, D246V.
Identifiers: ClinVar variation 4087963 (VCV004087963.1).

ClinVar aggregate classification (germline): Uncertain significance (1 of 4 stars; one submission).

Submission:

GeneDx
Classification: Uncertain significance. Last evaluated: 2025-03-25. Review status: criteria provided, single submitter. Criteria: GeneDx Variant Classification Process June 2021. Collection method: clinical testing. Allele origin: germline. Affected: yes.
Comment: Not observed at significant frequency in large population cohorts (gnomAD); In silico analysis supports that this missense variant has a deleterious effect on protein structure/function; Has not been previously published as pathogenic or benign to our knowledge